The following is an entry in ClinVar:

NM_015335.5(MED13L):c.2569+1G>A

Gene: MED13L (mediator complex subunit 13L; minus strand). Cytogenetic location: 12q24.21.
Variant type: single nucleotide variant.
Coding change: c.2569+1G>A on transcript NM_015335.5 (MANE Select); the canonical splice donor site of the intron after coding-DNA position 2569, G replaced by A.
Molecular consequence: splice donor variant.
Genome position (GRCh38, 1-based): chr12:116,003,002, C>T on the plus strand (G>A on the coding strand, the complement: MED13L is on the minus strand). VCF-style: chr12-116003002-C-T. GRCh37 (hg19) VCF-style: chr12-116440807-C-T.
Identifiers: ClinVar variation 4082576 (VCV004082576.1).
Genomic context (GRCh38, chr12:116,003,002, plus strand): 5'-AATATTATATCTAAGTTACAGGCAGTGAGCCACAATGGCTCAGTCAAGTTTCTCTACCTA[C>T]TTGGTGGATAAGGAACAGCAGCTCTTCCATCCTTCCCAAGAGGTCGGTCTTCTGTCCCAA-3'

ClinVar aggregate classification (germline): Pathogenic (1 of 4 stars; one submission).

Submission:

GeneDx
Classification: Pathogenic. Last evaluated: 2025-03-13. Review status: criteria provided, single submitter. Criteria: GeneDx Variant Classification Process June 2021. Collection method: clinical testing. Allele origin: germline. Affected: yes.
Comment: Canonical splice site variant predicted to result in a null allele in a gene for which loss of function is a known mechanism of disease; Not observed at significant frequency in large population cohorts (gnomAD); Has not been previously published as pathogenic or benign to our knowledge